The following is an entry in ClinVar:

ClinVar aggregate classification (germline): Uncertain significance. Review status: criteria provided, multiple submitters, no conflicts (2 of 4 stars). 6 submissions from 6 submitters: Uncertain significance (5). 1 of the submissions does not count toward it. Last evaluated 2025-08-24.

Conditions:
Hereditary cancer-predisposing syndrome. Also called: Hereditary Cancer Syndrome; Neoplastic Syndromes, Hereditary; Tumor predisposition; Hereditary neoplastic syndrome. Identifiers: Orphanet 140162, MedGen C0027672, MeSH D009386, MONDO:0015356.
Hereditary diffuse gastric adenocarcinoma (HDGC). Also called: DIFFUSE GASTRIC AND LOBULAR BREAST CANCER SYNDROME. Identifiers: Orphanet 26106, MedGen C1708349, MONDO:0007648, OMIM 137215.

Allele frequency attached by ClinVar (database versions not stated): gnomAD exomes below 0.00001.
gnomAD v4.1: 2 of 1,614,098 alleles (0.00012%); highest among the groups gnomAD compares: Non-Finnish European, 0.00017%; no homozygotes.

Submissions (6):

Ambry Genetics
Classification: Uncertain significance for Hereditary cancer-predisposing syndrome. Last evaluated: 2025-08-24. Review status: criteria provided, single submitter. Criteria: Ambry Variant Classification Scheme 2023. Collection method: clinical testing. Allele origin: germline.
Comment: The p.T580A variant (also known as c.1738A>G), located in coding exon 12 of the CDH1 gene, results from an A to G substitution at nucleotide position 1738. The threonine at codon 580 is replaced by alanine, an amino acid with similar properties. This amino acid position is highly conserved in available vertebrate species. In addition, the in silico prediction for this alteration is inconclusive. Since supporting evidence is limited at this time, the clinical significance of this alteration remains unclear.

Labcorp Genetics (formerly Invitae), Labcorp
Classification: Uncertain significance for Hereditary diffuse gastric adenocarcinoma. Last evaluated: 2025-06-15. Review status: criteria provided, single submitter. Criteria: Invitae Variant Classification Sherloc (09022015). Collection method: clinical testing. Allele origin: germline.
Comment: This sequence change replaces threonine, which is neutral and polar, with alanine, which is neutral and non-polar, at codon 580 of the CDH1 protein (p.Thr580Ala). This variant is not present in population databases (gnomAD no frequency). This missense change has been observed in individual(s) with breast cancer (PMID: 34326862). ClinVar contains an entry for this variant (Variation ID: 188218). An algorithm developed to predict the effect of missense changes on protein structure and function (PolyPhen-2) suggests that this variant is likely to be disruptive. In summary, the available evidence is currently insufficient to determine the role of this variant in disease. Therefore, it has been classified as a Variant of Uncertain Significance.

Quest Diagnostics Nichols Institute San Juan Capistrano
Classification: Uncertain significance. Last evaluated: 2024-11-15. Review status: criteria provided, single submitter. Criteria: Quest Diagnostics criteria. Collection method: clinical testing. Allele origin: unknown.
Comment: The CDH1 c.1738A>G (p.Thr580Ala) variant has been reported in the published literature in an individual with breast cancer (PMID: 34326862 (2021)). This variant has not been reported in large, multi-ethnic general populations (Genome Aggregation Database). Analysis of this variant using bioinformatics tools for the prediction of the effect of amino acid changes on protein structure and function yielded predictions that this variant is damaging. Based on the available information, we are unable to determine the clinical significance of this variant.

Myriad Genetics, Inc.
Classification: Uncertain significance for Hereditary diffuse gastric adenocarcinoma. Last evaluated: 2023-03-03. Review status: criteria provided, single submitter. Criteria: Myriad Autosomal Dominant, Autosomal Recessive and X-Linked Classification Criteria (2023). Collection method: clinical testing. Allele origin: unknown.
Comment: This variant is classified as a variant of uncertain significance as there is insufficient evidence to determine its impact on protein function and/or cancer risk.

GeneDx
Classification: Uncertain significance. Last evaluated: 2022-08-09. Review status: criteria provided, single submitter. Criteria: GeneDx Variant Classification Process June 2021. Collection method: clinical testing. Allele origin: germline. Affected: yes.
Comment: Not observed at significant frequency in large population cohorts (gnomAD); In silico analysis supports that this missense variant has a deleterious effect on protein structure/function; Has not been previously published as pathogenic or benign to our knowledge; This variant is associated with the following publications: (PMID: 15235021, 22850631)

Counsyl
Classification: Uncertain significance for Hereditary diffuse gastric adenocarcinoma. Last evaluated: 2018-01-17. Review status: no assertion criteria provided. Collection method: clinical testing. Allele origin: unknown. Not counted in ClinVar's aggregate classification.

Literature cited by the submitters: PubMed 34326862 (cited by Labcorp Genetics (formerly Invitae), Labcorp and Quest Diagnostics Nichols Institute San Juan Capistrano).

NM_004360.5(CDH1):c.1738A>G (p.Thr580Ala)

Gene: CDH1 (cadherin 1; plus strand). Cytogenetic location: 16q22.1.
Variant type: single nucleotide variant.
Coding change: c.1738A>G on transcript NM_004360.5 (MANE Select); coding-DNA position 1738, A replaced by G.
Protein change: p.Thr580Ala; replaces threonine 580 with alanine.
Molecular consequence: missense variant. On other transcripts: 5 prime UTR variant (1).
Genome position (GRCh38, 1-based): chr16:68,822,027, A>G. VCF-style: chr16-68822027-A-G. GRCh37 (hg19) VCF-style: chr16-68855930-A-G.
Other names: c.1555A>G, p.Thr519Ala (NM_001317184.2); c.190A>G, p.Thr64Ala (NM_001317185.2); c.-228A>G (NM_001317186.2); c.1738A>G (LRG_301t1, NM_004360.4); short protein forms T580A, T519A, T64A.
Identifiers: ClinVar variation 188218 (VCV000188218.21), dbSNP rs786204155, ClinGen allele CA334359.